The following is an entry in ClinVar:

NM_002693.3(POLG):c.3126G>A (p.Glu1042=)

Gene: POLG (DNA polymerase gamma, catalytic subunit; minus strand). Cytogenetic location: 15q26.1.
Variant type: single nucleotide variant.
Coding change: c.3126G>A on transcript NM_002693.3 (MANE Select); coding-DNA position 3126, G replaced by A.
Protein change: p.Glu1042=; no amino-acid change (glutamic acid 1042 retained).
Molecular consequence: synonymous variant.
Genome position (GRCh38, 1-based): chr15:89,319,078, C>T on the plus strand (G>A on the coding strand, the complement: POLG is on the minus strand). VCF-style: chr15-89319078-C-T. GRCh37 (hg19) VCF-style: chr15-89862309-C-T.
Other names: c.3126G>A, p.Glu1042= (NM_001126131.2).
Identifiers: ClinVar variation 619481 (VCV000619481.4), dbSNP rs766485086, ClinGen allele CA7724226.
Genomic context (GRCh38, chr15:89,319,078, plus strand): 5'-CTCAAGCTTATTGAACATTTCTGACTCTGTGCCCCCCTTCCATGCCCGTTCAGCAACCAC[C>T]TCCCACTTCTTCCACTGTGACCTAAGGGACCAGAAACAGAGGGCAGACTTTGTCTTTCAG-3'
Protein context (NP_002684.1, residues 1032-1052): TARKSQWKKW[Glu1042=]VVAERAWKGG

ClinVar aggregate classification (germline): Likely benign. Review status: criteria provided, multiple submitters, no conflicts (2 of 4 stars). 2 submissions from 2 submitters: Likely benign (2). Last evaluated 2023-11-24.

Conditions:
Progressive sclerosing poliodystrophy (MTDPS4A). Also called: Alpers-Huttenlocher Syndrome (AHS); Alpers Syndrome; ALPERS PROGRESSIVE INFANTILE POLIODYSTROPHY; Mitochondrial DNA depletion syndrome 4A (Alpers type); ALPERS DIFFUSE DEGENERATION OF CEREBRAL GRAY MATTER WITH HEPATIC CIRRHOSIS; Alpers-Huttenlocher Syndrome. Identifiers: Orphanet 726, MedGen C0205710, MONDO:0008758, OMIM 203700.

Allele frequency attached by ClinVar (database versions not stated): gnomAD exomes below 0.00001; ExAC 0.00002.

Submissions (2):

Labcorp Genetics (formerly Invitae), Labcorp
Classification: Likely benign for Progressive sclerosing poliodystrophy. Last evaluated: 2023-11-24. Review status: criteria provided, single submitter. Criteria: Invitae Variant Classification Sherloc (09022015). Collection method: clinical testing. Allele origin: germline.

Wong Mito Lab, Molecular and Human Genetics, Baylor College of Medicine
Classification: Likely benign for Progressive sclerosing poliodystrophy. Last evaluated: 2018-10-01. Review status: criteria provided, single submitter. Criteria: ACMG Guidelines, 2015. Collection method: clinical testing. Allele origin: germline.
Comment: The NM_002693.2:c.3126G>A (NP_002684.1:p.Glu1042=) [GRCH38: NC_000015.10:g.89319078C>T] variant in POLG gene is interpretated to be a Likely Benign based on ACMG guidelines (PMID: 25741868). This variant meets the following evidence codes reported in the ACMG-guideline. BP4:Computational evidence/predictors indicate no impact on the POLG structure, function, or protein-protein interaction. BP7:The variant is silent with non predicted splice impact. Based on the evidence criteria codes applied, the variant is suggested to be Likely Benign.